The following is an entry in ClinVar:

NM_001171.6(ABCC6):c.3063C>A (p.Phe1021Leu)

Gene: ABCC6 (ATP binding cassette subfamily C member 6; minus strand). Cytogenetic location: 16p13.11.
Variant type: single nucleotide variant.
Coding change: c.3063C>A on transcript NM_001171.6 (MANE Select); coding-DNA position 3063, C replaced by A.
Protein change: p.Phe1021Leu; replaces phenylalanine 1021 with leucine.
Molecular consequence: missense variant. On other transcripts: non-coding transcript variant (1).
Genome position (GRCh38, 1-based): chr16:16,165,866, G>T on the plus strand (C>A on the coding strand, the complement: ABCC6 is on the minus strand). VCF-style: chr16-16165866-G-T. GRCh37 (hg19) VCF-style: chr16-16259723-G-T.
Other names: c.2721C>A, p.Phe907Leu (NM_001351800.1); short protein forms F1021L, F907L.
Identifiers: ClinVar variation 1925789 (VCV001925789.3), dbSNP rs755895436, ClinGen allele CA7925695.

ClinVar aggregate classification (germline): Uncertain significance. Review status: criteria provided, multiple submitters, no conflicts (2 of 4 stars). 2 submissions from 2 submitters: Uncertain significance (2). Last evaluated 2022-12-01.

Allele frequency attached by ClinVar (database versions not stated): ExAC 0.00005.
gnomAD v4.1: 35 of 1,613,244 alleles (0.0022%); highest among the groups gnomAD compares: South Asian, 0.031%; no homozygotes.

Submissions (2):

Blueprint Genetics
Classification: Uncertain significance. Last evaluated: 2022-12-01. Review status: criteria provided, single submitter. Criteria: ACMG Guidelines, 2015. Collection method: clinical testing. Allele origin: germline.

Labcorp Genetics (formerly Invitae), Labcorp
Classification: Uncertain significance. Last evaluated: 2022-05-10. Review status: criteria provided, single submitter. Criteria: Invitae Variant Classification Sherloc (09022015). Collection method: clinical testing. Allele origin: germline.
Comment: This sequence change replaces phenylalanine, which is neutral and non-polar, with leucine, which is neutral and non-polar, at codon 1021 of the ABCC6 protein (p.Phe1021Leu). This variant is present in population databases (rs755895436, gnomAD 0.04%). This variant has not been reported in the literature in individuals affected with ABCC6-related conditions. Advanced modeling of protein sequence and biophysical properties (such as structural, functional, and spatial information, amino acid conservation, physicochemical variation, residue mobility, and thermodynamic stability) performed at Invitae indicates that this missense variant is expected to disrupt ABCC6 protein function. In summary, the available evidence is currently insufficient to determine the role of this variant in disease. Therefore, it has been classified as a Variant of Uncertain Significance.